The following is an entry in ClinVar:

NM_000245.4(MET):c.2365-16T>C

Gene: MET (MET proto-oncogene, receptor tyrosine kinase; plus strand). Cytogenetic location: 7q31.2.
Variant type: single nucleotide variant.
Coding change: c.2365-16T>C on transcript NM_000245.4 (MANE Select); 16 bases into the intron before coding-DNA position 2365, T replaced by C.
Molecular consequence: intron variant.
Genome position (GRCh38, 1-based): chr7:116,763,034, T>C. VCF-style: chr7-116763034-T-C. GRCh37 (hg19) VCF-style: chr7-116403088-T-C.
Other names: c.2419-16T>C (NM_001127500.3); c.1075-16T>C (NM_001324402.2); c.2365-16T>C (NM_001324401.3).
Identifiers: ClinVar variation 1624228 (VCV001624228.9), dbSNP rs763349755, ClinGen allele CA4448479.

ClinVar aggregate classification (germline): Likely benign. Review status: criteria provided, multiple submitters, no conflicts (2 of 4 stars). 2 submissions from 2 submitters: Likely benign (2). Last evaluated 2024-11-11.

Conditions:
Renal cell carcinoma. Identifiers: Orphanet 217071, MedGen C0007134, MeSH D002292, MONDO:0005086, HP:0005584.
Papillary renal cell carcinoma type 1 (RCCP1). Also called: RENAL CELL CARCINOMA, PAPILLARY, 1, SOMATIC; Renal adenocarcinoma; Renal cell carcinoma 1; Renal cell carcinoma, somatic. Identifiers: Orphanet 47044, MedGen C1336839, OMIM 605074, HP:0011797.

Allele frequency attached by ClinVar (database versions not stated): gnomAD exomes below 0.00001; ExAC 0.00001; gnomAD 0.00001; TOPMed 0.00001.
gnomAD v4.1: 4 of 1,603,382 alleles (0.00025%); highest among the groups gnomAD compares: African/African-American, 0.0027%; no homozygotes.

Submissions (2):

Myriad Genetics, Inc.
Classification: Likely benign for Papillary renal cell carcinoma type 1. Last evaluated: 2024-11-11. Review status: criteria provided, single submitter. Criteria: Myriad Autosomal Dominant, Autosomal Recessive and X-Linked Classification Criteria (2023). Collection method: clinical testing. Allele origin: unknown.
Comment: This variant is considered likely benign. This variant is intronic and is not expected to impact mRNA splicing.

Labcorp Genetics (formerly Invitae), Labcorp
Classification: Likely benign for Renal cell carcinoma. Last evaluated: 2024-09-30. Review status: criteria provided, single submitter. Criteria: Invitae Variant Classification Sherloc (09022015). Collection method: clinical testing. Allele origin: germline.